The following is an entry in ClinVar:

ClinVar aggregate classification (germline): Uncertain significance. Review status: criteria provided, multiple submitters, no conflicts (2 of 4 stars). 2 submissions from 2 submitters: Uncertain significance (2). Last evaluated 2026-01-14.

Conditions:
Hereditary cancer-predisposing syndrome. Also called: Tumor predisposition; Hereditary neoplastic syndrome; Hereditary Cancer Syndrome; Neoplastic Syndromes, Hereditary. Identifiers: Orphanet 140162, MedGen C0027672, MeSH D009386, MONDO:0015356.

Allele frequency attached by ClinVar (database versions not stated): gnomAD exomes below 0.00001.
gnomAD v4.1: 3 of 1,613,002 alleles (0.00019%); highest among the groups gnomAD compares: Non-Finnish European, 0.000085%; no homozygotes.

Submissions (2):

Ambry Genetics
Classification: Uncertain significance for Hereditary cancer-predisposing syndrome. Last evaluated: 2026-01-14. Review status: criteria provided, single submitter. Criteria: Ambry Variant Classification Scheme 2023. Collection method: clinical testing. Allele origin: germline.
Comment: The p.H342Y variant (also known as c.1024C>T), located in coding exon 11 of the POLE gene, results from a C to T substitution at nucleotide position 1024. The histidine at codon 342 is replaced by tyrosine, an amino acid with similar properties. This amino acid position is not well conserved in available vertebrate species. In addition, this alteration is predicted to be tolerated by in silico analysis. Since supporting evidence is limited at this time, the clinical significance of this alteration remains unclear.

Labcorp Genetics (formerly Invitae), Labcorp
Classification: Uncertain significance. Last evaluated: 2022-09-29. Review status: criteria provided, single submitter. Criteria: Invitae Variant Classification Sherloc (09022015). Collection method: clinical testing. Allele origin: germline.
Comment: In summary, the available evidence is currently insufficient to determine the role of this variant in disease. Therefore, it has been classified as a Variant of Uncertain Significance. Advanced modeling of protein sequence and biophysical properties (such as structural, functional, and spatial information, amino acid conservation, physicochemical variation, residue mobility, and thermodynamic stability) performed at Invitae indicates that this missense variant is not expected to disrupt POLE protein function. ClinVar contains an entry for this variant (Variation ID: 948180). This missense change has been observed in individual(s) with colorectal cancer (PMID: 32567205). This variant is not present in population databases (gnomAD no frequency). This sequence change replaces histidine, which is basic and polar, with tyrosine, which is neutral and polar, at codon 342 of the POLE protein (p.His342Tyr).

Literature cited by the submitters: PubMed 32567205 (cited by Labcorp Genetics (formerly Invitae), Labcorp).

NM_006231.4(POLE):c.1024C>T (p.His342Tyr)

Gene: POLE (DNA polymerase epsilon, catalytic subunit; minus strand). Cytogenetic location: 12q24.33.
Variant type: single nucleotide variant.
Coding change: c.1024C>T on transcript NM_006231.4 (MANE Select); coding-DNA position 1024, C replaced by T.
Protein change: p.His342Tyr; replaces histidine 342 with tyrosine.
Molecular consequence: missense variant.
Genome position (GRCh38, 1-based): chr12:132,675,817, G>A on the plus strand (C>T on the coding strand, the complement: POLE is on the minus strand). VCF-style: chr12-132675817-G-A. GRCh37 (hg19) VCF-style: chr12-133252403-G-A.
Other names: short protein forms H342Y.
Identifiers: ClinVar variation 948180 (VCV000948180.11), dbSNP rs2043037848, ClinGen allele CA387361879.